The following is an entry in ClinVar:

ClinVar aggregate classification (germline): Pathogenic (1 of 4 stars; one submission).

Conditions:
Hereditary cancer-predisposing syndrome. Also called: Neoplastic Syndromes, Hereditary; Tumor predisposition; Hereditary Cancer Syndrome; Hereditary neoplastic syndrome. Identifiers: Orphanet 140162, MedGen C0027672, MeSH D009386, MONDO:0015356.

Submission:

Ambry Genetics
Classification: Pathogenic for Hereditary cancer-predisposing syndrome. Last evaluated: 2022-06-29. Review status: criteria provided, single submitter. Criteria: Ambry Variant Classification Scheme 2023. Collection method: clinical testing. Allele origin: germline.
Comment: The c.105_134+1007del1037insTCCTTGAT gross deletion spans coding exon 2 through intron 2 in the BRCA1 gene, and includes the deletion of 1037 nucleotides and insertion of 8 nucleotides. This alteration results in the complete deletion of the coding exon 2 donor site. RNA studies have demonstrated that this alteration results in abnormal splicing resulting in the complete removal of coding exon 2 in the set of samples tested (Ambry internal data). This variant is considered to be rare based on population cohorts in the Genome Aggregation Database (gnomAD). Based on the supporting evidence, this alteration is interpreted as a disease-causing mutation.

NM_007294.4(BRCA1):c.105_134+1007delinsTCCTTGAT

Gene: BRCA1 (BRCA1 DNA repair associated; minus strand). Cytogenetic location: 17q21.31.
Variant type: Indel.
Coding change: c.105_134+1007delinsTCCTTGAT on transcript NM_007294.4 (MANE Select); coding-DNA position 105 through 1007 bases into the intron after coding-DNA position 134, the reference bases replaced by TCCTTGAT.
Molecular consequence: splice donor variant. On other transcripts: intron variant (41).
Genome position (GRCh38, 1-based): chr17:43,114,719-43,115,755, 1,037 bases replaced. GRCh37 (hg19): chr17:41,266,736-41,267,772.
Other names: c.105_134+1007delinsTCCTTGAT (NM_001407976.1, NM_001407618.1, NM_001407603.1 and 191 more transcripts); c.80+8262_80+9298delinsTCCTTGAT (NM_001408451.1); c.-55+8262_-54-8186delinsTCCTTGAT (NM_001407898.1, NM_001407881.1, NM_001407902.1); c.-8+8262_-7-8186delinsTCCTTGAT (NM_001407932.1, NM_001408464.1, NM_001407742.1 and 23 more transcripts); c.-84_-55+1007delinsTCCTTGAT (NM_001408509.1, NM_001408508.1, NM_001408491.1 and 52 more transcripts); c.-200_-171+1007delinsTCCTTGAT (NM_001408492.1, NM_001407889.1, NM_001407900.1); c.-153_-124+1007delinsTCCTTGAT (NM_001408468.1, NM_001407842.1, NM_001407749.1 and 13 more transcripts); c.-157_-128+1007delinsTCCTTGAT (NM_001407695.1, NM_001408465.1); and 10 more.
Identifiers: ClinVar variation 1776759 (VCV001776759.2), ClinGen allele CA2580093850.